The following is an entry in ClinVar:

ClinVar aggregate classification (germline): not provided (0 of 4 stars; one submission).

Conditions:
Normal pregnancy. Identifiers: MedGen C0232989.

Submission:

Institute of Molecular and Cell Biology, University of Tartu
No classification provided. Condition: Normal pregnancy. Review status: no classification provided. Collection method: case-control. Allele origin: unknown. Affected: yes. Study: Kasak2014.
Comment: The study aimed to determine the contribution of copy number variants in the genetic etiology of normal and complicated pregnancies. The samples represented (i) maternal blood DNA drawn from healthy pregnant women during 1st or 2nd trimester and (ii) maternal and paternal blood DNA drawn at term pregnancy cases representing normal and complicated gestations (severe preeclampsia, PE; gestational diabetes, GD; small-for-gestational age newborn, SGA; large-for-gestational age newborn, LGA). We performed CNV calling based on genome-wide genotyping dataset (Illumina HumanOmniExpress-24-v1 BeadChip) by applying three algorithms, QuantiSNP, GADA (Genome Alteration Detection Algorithm) and CNstream in parallel. The acquired CNV calls were merged with HD-CNV (Hotspot Detector for Copy Number Variants) program and only the CNVs predicted by at least two programs, were considered in subsequent analysis.

Literature cited by the submitters: PubMed 25666259.

NM_014515.7(CNOT2):c.48+8340_48+9761del

Gene: CNOT2 (CCR4-NOT transcription complex subunit 2; plus strand). Cytogenetic location: 12q15.
Variant type: Deletion.
Coding change: c.48+8340_48+9761del on transcript NM_014515.7 (MANE Select); bases 8340 to 9761 of the intron after coding-DNA position 48, 1,422 bases deleted.
Molecular consequence: intron variant.
Genome position (GRCh38, 1-based): chr12:70,286,614-70,288,035, 1,422 bases deleted. GRCh37 (hg19): chr12:70,680,394-70,681,815.
Other names: c.48+8340_48+9761del (NM_001199302.2, NM_001199303.2).
Identifiers: ClinVar variation 157257 (VCV000157257.2), ClinGen allele CA212341.